The following is an entry in ClinVar:

ClinVar aggregate classification (germline): Likely benign (1 of 4 stars; one submission).

Conditions:
DBH-related disorder. Also called: DBH-related condition.

Submission:

PreventionGenetics, part of Exact Sciences
Classification: Likely benign for DBH-related condition. Last evaluated: 2025-10-10. Review status: criteria provided, single submitter. Criteria: ACMG Guidelines, 2015. Collection method: clinical testing. Allele origin: germline.
Comment: This variant is classified as likely benign based on ACMG/AMP sequence variant interpretation guidelines (Richards et al. 2015 PMID: 25741868, with internal and published modifications).

NM_000787.4(DBH):c.*7dup

Gene: DBH (dopamine beta-hydroxylase; plus strand). Cytogenetic location: 9q34.2.
Variant type: Duplication.
Coding change: c.*7dup on transcript NM_000787.4 (MANE Select); 7 bases downstream of the stop codon, one base duplicated (A; older notation c.*7dupA).
Molecular consequence: 3 prime UTR variant.
Genome position (GRCh38, 1-based): chr9:133,658,454, A duplicated. VCF-style (leftmost placement, unchanged base first): chr9-133658453-G-GA. GRCh37 (hg19) VCF-style: chr9-136523575-G-GA.
Identifiers: ClinVar variation 4988817 (VCV004988817.1).
Genomic context (GRCh38, chr9:133,658,453, plus strand): 5'-GGGCCGAAGCCCTGCTGGCCCCACCGTTGTCAGCATTGGTGGGGGCAAAGGCTGAGGGGG[G>GA]ACCTACTCCTCCCCCTCCTCCATGCTGTCCCTGTGGGCTCACACCGGCACTGTGCACTCT-3'